The following is an entry in ClinVar:

NM_007294.4(BRCA1):c.212+6T>A

Gene: BRCA1 (BRCA1 DNA repair associated; minus strand). Cytogenetic location: 17q21.31.
Variant type: single nucleotide variant.
Coding change: c.212+6T>A on transcript NM_007294.4 (MANE Select); 6 bases into the intron after coding-DNA position 212, T replaced by A.
Molecular consequence: intron variant.
Genome position (GRCh38, 1-based): chr17:43,106,450, A>T on the plus strand (T>A on the coding strand, the complement: BRCA1 is on the minus strand). VCF-style: chr17-43106450-A-T. GRCh37 (hg19) VCF-style: chr17-41258467-A-T.
Other names: c.71+6T>A (NM_001408458.1, NM_001407931.1, NM_001407747.1 and 99 more transcripts); c.-218-11590T>A (NM_001407967.1, NM_001407966.1); c.-169-1494T>A (NM_001407959.1, NM_001407962.1, NM_001408512.1 and 4 more transcripts); c.2+28T>A (NM_001407885.1, NM_001407886.1, NM_001407898.1 and 58 more transcripts); c.212+6T>A (NM_001407686.1, NM_001408397.1, NM_001407632.1 and 167 more transcripts); c.81-1494T>A (NM_001408451.1); c.135-1494T>A (NM_001408475.1, NM_001407875.1, NM_001407659.1 and 21 more transcripts).
Identifiers: ClinVar variation 868791 (VCV000868791.3), dbSNP rs2054767256, ClinGen allele CA916080874.

Conditions:
Breast-ovarian cancer, familial, susceptibility to, 1 (BROVCA1). Also called: BRCA1 Hereditary Breast and Ovarian Cancer; OVARIAN CANCER, SUSCEPTIBILITY TO. Identifiers: Orphanet 145, MedGen C2676676, MONDO:0011450, OMIM 604370. Disease mechanism: loss of function.

Submission:

Brotman Baty Institute, University of Washington
No classification provided (evidence only). Condition: Breast-ovarian cancer, familial 1. Review status: no classification provided. Collection method: in vitro. Allele origin: not applicable. Functional consequence: functionally_normal.
ClinVar note: "not provided" was previously submitted as the classification for the variant. However, the classification appeared to be based only on an observation of functional data so it was converted to no classification on 2025-07-30.